The following is an entry in ClinVar:

NM_000218.3(KCNQ1):c.1783del (p.Arg594_Val595insTer)

Gene: KCNQ1 (potassium voltage-gated channel subfamily Q member 1; plus strand). Cytogenetic location: 11p15.5.
Variant type: Deletion.
Coding change: c.1783del on transcript NM_000218.3 (MANE Select); coding-DNA position 1783, one base deleted (G; older notation c.1783delG).
Protein change: p.Arg594_Val595insTer.
Molecular consequence: nonsense. On other transcripts: frameshift variant (5).
Genome position (GRCh38, 1-based): chr11:2,778,026, G deleted. VCF-style (leftmost placement, unchanged base first): chr11-2778025-AG-A. GRCh37 (hg19) VCF-style: chr11-2799255-AG-A.
Other names: c.1687delG, p.Val563Terfs (NM_001406836.1); c.1513delG, p.Val505Terfs (NM_001406837.1); c.1243delG, p.Val415Terfs (NM_001406838.1); c.295delG, p.Val99Terfs (NM_001406839.1); c.1402delG, p.Val468Terfs (NM_181798.2).
Identifiers: ClinVar variation 405264 (VCV000405264.10), dbSNP rs765169367, ClinGen allele CA032751.

ClinVar aggregate classification (germline): Pathogenic (1 of 4 stars; one submission).

Conditions:
Long QT syndrome (LQTS). Identifiers: MedGen C0023976, MeSH D008133, MONDO:0002442. Disease mechanism: loss of function. Inheritance: Various modes of inheritance.

Allele frequency attached by ClinVar (database versions not stated): gnomAD exomes below 0.00001; ExAC 0.00001.

Submission:

Labcorp Genetics (formerly Invitae), Labcorp
Classification: Pathogenic for Long QT syndrome. Last evaluated: 2016-11-28. Review status: criteria provided, single submitter. Criteria: Invitae Variant Classification Sherloc (09022015). Collection method: clinical testing. Allele origin: germline.
Comment: For these reasons, this variant has been classified as Pathogenic. While this variant has not been reported in the literature, loss-of-function variants in KCNQ1 are known to be pathogenic (PMID: 19862833). In addition, other pathogenic loss-of-function variants have been reported downstream of this c.1783delG (p.Val595*) variant (PMID: 16414944, 22739119, 10024302, 10973849, 19825999, 23098067, 23631430, 25187895). This sequence change deletes 1 nucleotide from exon 15 of the KCNQ1 mRNA (c.1783delG), causing a frameshift at codon 595. This creates a premature translational stop signal in the second to last exon of the KCNQ1 mRNA (p.Val595*). While this is not anticipated to result in nonsense mediated decay, it is expected to delete the last 81 amino acids of the KCNQ1 protein.

Literature cited by the submitters: PubMed 19862833; PubMed 16414944; PubMed 22739119; PubMed 10024302; PubMed 10973849; PubMed 19825999; PubMed 23098067; PubMed 23631430; PubMed 25187895.